The following is an entry in ClinVar:

NM_005562.3(LAMC2):c.2425del (p.Asp809fs)

Gene: LAMC2 (laminin subunit gamma 2; plus strand). Cytogenetic location: 1q25.3.
Variant type: Deletion.
Coding change: c.2425del on transcript NM_005562.3 (MANE Select); coding-DNA position 2425, one base deleted (G; older notation c.2425delG).
Protein change: p.Asp809fs; shifts the reading frame from aspartic acid 809.
Molecular consequence: frameshift variant.
Genome position (GRCh38, 1-based): chr1:183,235,699, G deleted; the last of 2 consecutive G bases (chr1:183,235,698-183,235,699); deleting either gives the same sequence. VCF-style (leftmost placement, unchanged base first): chr1-183235697-CG-C. GRCh37 (hg19) VCF-style: chr1-183204832-CG-C.
Other names: c.2425del, p.Asp809fs (NM_018891.3); short protein forms D809fs.
Identifiers: ClinVar variation 2813059 (VCV002813059.3), dbSNP rs2526108627, ClinGen allele CA2739275458.
Genomic context (GRCh38, chr1:183,235,697, plus strand): 5'-AAGCCCTCTCACTGGTGCGCAAGGCCCTGCATGAAGGAGTCGGAAGCGGAAGCGGTAGCC[CG>C]GACGGTGCTGTGGTGCAAGGGCTTGTGGAAAAGTACGTTCCTACGGGTCCTCCCGTGGCT-3'

ClinVar aggregate classification (germline): Pathogenic (1 of 4 stars; one submission).

Submission:

Labcorp Genetics (formerly Invitae), Labcorp
Classification: Pathogenic. Last evaluated: 2022-11-09. Review status: criteria provided, single submitter. Criteria: Invitae Variant Classification Sherloc (09022015). Collection method: clinical testing. Allele origin: germline.
Comment: This sequence change creates a premature translational stop signal (p.Asp809Thrfs*22) in the LAMC2 gene. It is expected to result in an absent or disrupted protein product. Loss-of-function variants in LAMC2 are known to be pathogenic (PMID: 11907499, 16473856). This variant is not present in population databases (gnomAD no frequency). This variant has not been reported in the literature in individuals affected with LAMC2-related conditions. For these reasons, this variant has been classified as Pathogenic.

Literature cited by the submitters: PubMed 11907499; PubMed 16473856.